The following is an entry in ClinVar:

NM_024642.5(GALNT12):c.1613C>G (p.Ser538Cys)

Gene: GALNT12 (polypeptide N-acetylgalactosaminyltransferase 12; plus strand). Cytogenetic location: 9q22.33.
Variant type: single nucleotide variant.
Coding change: c.1613C>G on transcript NM_024642.5 (MANE Select); coding-DNA position 1613, C replaced by G.
Protein change: p.Ser538Cys; replaces serine 538 with cysteine.
Molecular consequence: missense variant.
Genome position (GRCh38, 1-based): chr9:98,848,959, C>G. VCF-style: chr9-98848959-C-G. GRCh37 (hg19) VCF-style: chr9-101611241-C-G.
Other names: short protein forms S538C.
Identifiers: ClinVar variation 3280582 (VCV003280582.1).

ClinVar aggregate classification (germline): Uncertain significance (1 of 4 stars; one submission).

Submission:

Ambry Genetics
Classification: Uncertain significance. Last evaluated: 2024-05-09. Review status: criteria provided, single submitter. Criteria: Ambry Variant Classification Scheme 2023. Collection method: clinical testing. Allele origin: germline.
Comment: The p.S538C variant (also known as c.1613C>G), located in coding exon 10 of the GALNT12 gene, results from a C to G substitution at nucleotide position 1613. The serine at codon 538 is replaced by cysteine, an amino acid with dissimilar properties. This amino acid position is conserved. In addition, this alteration is predicted to be tolerated by in silico analysis. Based on the available evidence, the clinical significance of this variant remains unclear.